The following is an entry in ClinVar:

NM_016464.5(TMEM138):c.83del (p.Phe27_Ser28insTer)

Gene: TMEM138 (transmembrane protein 138; plus strand). Cytogenetic location: 11q12.2.
Variant type: Deletion.
Coding change: c.83del on transcript NM_016464.5 (MANE Select); coding-DNA position 83, one base deleted (C; older notation c.83delC).
Protein change: p.Phe27_Ser28insTer.
Molecular consequence: nonsense. On other transcripts: non-coding transcript variant (1), intron variant (1).
Genome position (GRCh38, 1-based): chr11:61,364,473, C deleted. VCF-style (leftmost placement, unchanged base first): chr11-61364472-TC-T. GRCh37 (hg19) VCF-style: chr11-61131944-TC-T.
Other names: c.-47+158del (NM_001330281.2).
Identifiers: ClinVar variation 1424816 (VCV001424816.6), dbSNP rs2135153244, ClinGen allele CA2573147287.
Genomic context (GRCh38, chr11:61,364,472, plus strand): 5'-AGCCTGGTGCTCTCTCTGCAGTTCCTGCTGCTGTCCTATGACCTCTTTGTCAATTCCTTC[TC>T]AGAACTGCTCCAAAAGACTCCTGTCATCCAGCTTGTGCTCTTCATGTGCGTGCAGTAAGG-3'

ClinVar aggregate classification (germline): Pathogenic (1 of 4 stars; one submission).

Conditions:
Joubert syndrome 16 (JBTS16). Identifiers: Orphanet 2318, MedGen C3280906, MONDO:0013764, OMIM 614465.

Submission:

Labcorp Genetics (formerly Invitae), Labcorp
Classification: Pathogenic for Joubert syndrome 16. Last evaluated: 2022-07-12. Review status: criteria provided, single submitter. Criteria: Invitae Variant Classification Sherloc (09022015). Collection method: clinical testing. Allele origin: germline.
Comment: This sequence change creates a premature translational stop signal (p.Ser28*) in the TMEM138 gene. It is expected to result in an absent or disrupted protein product. Loss-of-function variants in TMEM138 are known to be pathogenic (PMID: 26489029). This variant is not present in population databases (gnomAD no frequency). This variant has not been reported in the literature in individuals affected with TMEM138-related conditions. ClinVar contains an entry for this variant (Variation ID: 1424816). For these reasons, this variant has been classified as Pathogenic.

Literature cited by the submitters: PubMed 26489029.